The following is an entry in ClinVar:

NM_024642.5(GALNT12):c.1691G>T (p.Arg564Leu)

Gene: GALNT12 (polypeptide N-acetylgalactosaminyltransferase 12; plus strand). Cytogenetic location: 9q22.33.
Variant type: single nucleotide variant.
Coding change: c.1691G>T on transcript NM_024642.5 (MANE Select); coding-DNA position 1691, G replaced by T.
Protein change: p.Arg564Leu; replaces arginine 564 with leucine.
Molecular consequence: missense variant.
Genome position (GRCh38, 1-based): chr9:98,849,037, G>T. VCF-style: chr9-98849037-G-T. GRCh37 (hg19) VCF-style: chr9-101611319-G-T.
Other names: short protein forms R564L.
Identifiers: ClinVar variation 1778145 (VCV001778145.2), dbSNP rs778487948, ClinGen allele CA374223154.

ClinVar aggregate classification (germline): Uncertain significance (1 of 4 stars; one submission).

Submission:

Ambry Genetics
Classification: Uncertain significance. Last evaluated: 2022-02-07. Review status: criteria provided, single submitter. Criteria: Ambry Variant Classification Scheme 2023. Collection method: clinical testing. Allele origin: germline.
Comment: The p.R564L variant (also known as c.1691G>T), located in coding exon 10 of the GALNT12 gene, results from a G to T substitution at nucleotide position 1691. The arginine at codon 564 is replaced by leucine, an amino acid with dissimilar properties. This amino acid position is conserved. In addition, this alteration is predicted to be tolerated by in silico analysis. Since supporting evidence is limited at this time, the clinical significance of this alteration remains unclear.